The following is an entry in ClinVar:

ClinVar aggregate classification (germline): Conflicting classifications of pathogenicity. Review status: criteria provided, conflicting classifications (1 of 4 stars). 2 submissions from 2 submitters: Pathogenic (1); Uncertain significance (1). Last evaluated 2023-06-08.

Conditions:
Genitopatellar syndrome (GTPTS). Also called: ABSENT PATELLAE, SCROTAL HYPOPLASIA, RENAL ANOMALIES, FACIAL DYSMORPHISM, AND MENTAL RETARDATION; Genitopatellar syndrome (GPS). Identifiers: Orphanet 85201, MedGen C1853566, MONDO:0011640, OMIM 606170.
KAT6B-related disorder. Also called: KAT6B-related disorders; KAT6B-related condition.

Submissions (2):

Greenwood Genetic Center Diagnostic Laboratories, Greenwood Genetic Center
Classification: Pathogenic for KAT6B-related disorder. Last evaluated: 2023-06-08. Review status: criteria provided, single submitter. Criteria: ACMG Guidelines, 2015. Collection method: clinical testing. Allele origin: germline. Affected: yes.
Comment: PVS1, PS2, PM2

Labcorp Genetics (formerly Invitae), Labcorp
Classification: Uncertain significance for Genitopatellar syndrome. Last evaluated: 2023-02-16. Review status: criteria provided, single submitter. Criteria: Invitae Variant Classification Sherloc (09022015). Collection method: clinical testing. Allele origin: germline.
Comment: In summary, the available evidence is currently insufficient to determine the role of this variant in disease. Therefore, it has been classified as a Variant of Uncertain Significance. This variant has not been reported in the literature in individuals affected with KAT6B-related conditions. This variant is not present in population databases (gnomAD no frequency). This sequence change creates a premature translational stop signal (p.Arg337*) in the KAT6B gene. However, it is currently unclear if variants that occur in this region of the gene cause disease.

NM_012330.4(KAT6B):c.1009C>T (p.Arg337Ter)

Gene: KAT6B (lysine acetyltransferase 6B; plus strand). Cytogenetic location: 10q22.2.
Variant type: single nucleotide variant.
Coding change: c.1009C>T on transcript NM_012330.4 (MANE Select); coding-DNA position 1009, C replaced by T.
Protein change: p.Arg337Ter; replaces arginine 337 with a stop codon.
Molecular consequence: nonsense. On other transcripts: intron variant (5).
Genome position (GRCh38, 1-based): chr10:74,972,587, C>T. VCF-style: chr10-74972587-C-T. GRCh37 (hg19) VCF-style: chr10-76732345-C-T.
Other names: c.1009C>T, p.Arg337Ter (NM_001256468.2, NM_001256469.2, NM_001370132.1 and 7 more transcripts); c.846+2812C>T (NM_001370133.1); c.193-6637C>T (NM_001370134.1); c.928+2486C>T (NM_001370143.1, NM_001370144.1); c.192+12509C>T (NM_001370135.1); short protein forms R337*.
Identifiers: ClinVar variation 2572263 (VCV002572263.4), dbSNP rs1425905429, ClinGen allele CA377283460.